The following is an entry in ClinVar:

NM_178013.4(PRIMA1):c.59A>T (p.His20Leu)

Gene: PRIMA1 (proline rich membrane anchor 1; minus strand). Cytogenetic location: 14q32.12.
Variant type: single nucleotide variant.
Coding change: c.59A>T on transcript NM_178013.4 (MANE Select); coding-DNA position 59, A replaced by T.
Protein change: p.His20Leu; replaces histidine 20 with leucine.
Molecular consequence: missense variant.
Genome position (GRCh38, 1-based): chr14:93,787,660, T>A on the plus strand (A>T on the coding strand, the complement: PRIMA1 is on the minus strand). VCF-style: chr14-93787660-T-A. GRCh37 (hg19) VCF-style: chr14-94254006-T-A.
Other names: short protein forms H20L.
Identifiers: ClinVar variation 4722314 (VCV004722314.1).

ClinVar aggregate classification (germline): Uncertain significance (1 of 4 stars; one submission).

Conditions:
Familial sleep-related hypermotor epilepsy. Also called: Autosomal Dominant Sleep-Related Hypermotor (Hyperkinetic) Epilepsy. Identifiers: Orphanet 98784, MedGen C3696898, MONDO:0000030.

gnomAD v4.1: 2 of 1,543,620 alleles (0.00013%); highest among the groups gnomAD compares: Non-Finnish European, 0.00017%; no homozygotes.

Submission:

Labcorp Genetics (formerly Invitae), Labcorp
Classification: Uncertain significance for Familial sleep-related hypermotor epilepsy. Last evaluated: 2025-10-13. Review status: criteria provided, single submitter. Criteria: Invitae Variant Classification Sherloc (09022015). Collection method: clinical testing. Allele origin: germline.
Comment: This sequence change replaces histidine, which is basic and polar, with leucine, which is neutral and non-polar, at codon 20 of the PRIMA1 protein (p.His20Leu). This variant is not present in population databases (gnomAD no frequency). This variant has not been reported in the literature in individuals affected with PRIMA1-related conditions. An algorithm developed to predict the effect of missense changes on protein structure and function (PolyPhen-2) suggests that this variant is likely to be disruptive. In summary, the available evidence is currently insufficient to determine the role of this variant in disease. Therefore, it has been classified as a Variant of Uncertain Significance.